The following is an entry in ClinVar:

NM_003001.5(SDHC):c.85C>T (p.Pro29Ser)

Gene: SDHC (succinate dehydrogenase complex subunit C; plus strand). Cytogenetic location: 1q23.3.
Variant type: single nucleotide variant.
Coding change: c.85C>T on transcript NM_003001.5 (MANE Select); coding-DNA position 85, C replaced by T.
Protein change: p.Pro29Ser; replaces proline 29 with serine.
Molecular consequence: missense variant. On other transcripts: 5 prime UTR variant (2), non-coding transcript variant (1), intron variant (4).
Genome position (GRCh38, 1-based): chr1:161,328,403, C>T. VCF-style: chr1-161328403-C-T. GRCh37 (hg19) VCF-style: chr1-161298193-C-T.
Other names: c.85C>T, p.Pro29Ser (NM_001035511.3, NM_001407115.1); c.28C>T, p.Pro10Ser (NM_001407116.1, NM_001407117.1, NM_001407121.1); c.-27C>T (NM_001407119.1, NM_001407120.1); c.77+4733C>T (NM_001035512.3, NM_001278172.3, NM_001407118.1); c.21-12191C>T (NM_001035513.3); short protein forms P29S, P10S.
Identifiers: ClinVar variation 3951413 (VCV003951413.1).

ClinVar aggregate classification (germline): Uncertain significance (1 of 4 stars; one submission).

Conditions:
Hereditary cancer-predisposing syndrome. Also called: Tumor predisposition; Hereditary neoplastic syndrome; Hereditary Cancer Syndrome; Neoplastic Syndromes, Hereditary. Identifiers: Orphanet 140162, MedGen C0027672, MeSH D009386, MONDO:0015356.

Submission:

Ambry Genetics
Classification: Uncertain significance for Hereditary cancer-predisposing syndrome. Last evaluated: 2025-06-02. Review status: criteria provided, single submitter. Criteria: Ambry Variant Classification Scheme 2023. Collection method: clinical testing. Allele origin: germline.
Comment: The p.P29S variant (also known as c.85C>T), located in coding exon 3 of the SDHC gene, results from a C to T substitution at nucleotide position 85. The proline at codon 29 is replaced by serine, an amino acid with similar properties. This amino acid position is conserved. In addition, this alteration is predicted to be deleterious by in silico analysis. Based on the available evidence, the clinical significance of this variant remains unclear.